The following is an entry in ClinVar:

ClinVar aggregate classification (germline): Benign. Review status: reviewed by expert panel (3 of 4 stars). 2 submissions from 2 submitters: Benign (1). 1 of the submissions does not count toward it. Last evaluated 2015-01-12.

Conditions:
Breast-ovarian cancer, familial, susceptibility to, 2 (BROVCA2). Also called: BRCA2 Hereditary Breast and Ovarian Cancer. Identifiers: Orphanet 145, MedGen C2675520, MONDO:0012933, OMIM 612555. Disease mechanism: loss of function.

Allele frequency attached by ClinVar (database versions not stated): 1000 Genomes Project 30x 0.25796; 1000 Genomes Project 0.26478; TOPMed 0.26783; gnomAD 0.27577 and 0.27817.
gnomAD v4.1: 42,207 of 152,134 alleles (28%); highest among the groups gnomAD compares: East Asian, 40%; 5,999 homozygotes.

Submissions (2):

Evidence-based Network for the Interpretation of Germline Mutant Alleles (ENIGMA)
Classification: Benign for Breast-ovarian cancer, familial 2. Last evaluated: 2015-01-12. Review status: reviewed by expert panel. Criteria: ENIGMA BRCA1/2 Classification Criteria (2015). Collection method: curation. Allele origin: germline.
Comment: Class 1 not pathogenic based on frequency >1% in an outbred sampleset. Frequency 0.3864 (Asian), 0.1707 (African), 0.281 (European), derived from 1000 genomes (2012-04-30).

GeneDx
Classification: Benign. Last evaluated: 2019-06-14. Review status: criteria provided, single submitter. Criteria: GeneDx Variant Classification Process June 2021. Collection method: clinical testing. Allele origin: germline. Affected: yes. Not counted in ClinVar's aggregate classification.

NM_000059.4(BRCA2):c.67+1134T>C

Gene: BRCA2 (BRCA2 DNA repair associated; plus strand). Cytogenetic location: 13q13.1.
Variant type: single nucleotide variant.
Coding change: c.67+1134T>C on transcript NM_000059.4 (MANE Select); 1134 bases into the intron after coding-DNA position 67, T replaced by C.
Molecular consequence: intron variant.
Genome position (GRCh38, 1-based): chr13:32,317,661, T>C. VCF-style: chr13-32317661-T-C. GRCh37 (hg19) VCF-style: chr13-32891798-T-C.
Other names: IVS 2+1134T>C.
Identifiers: ClinVar variation 209609 (VCV000209609.4), dbSNP rs11571579, ClinGen allele CA276578.